The following is an entry in ClinVar:

ClinVar aggregate classification (germline): Conflicting classifications of pathogenicity. Review status: criteria provided, conflicting classifications (1 of 4 stars). 16 submissions from 13 submitters: Uncertain significance (8); Benign (1); Likely benign (7). Last evaluated 2026-04-22.

Conditions:
Ehlers-Danlos syndrome, cardiac valvular type. Identifiers: Orphanet 230851, MedGen C4303789, MONDO:0009159, OMIM 225320.
Ehlers-Danlos syndrome, arthrochalasia type, 2. Also called: EHLERS-DANLOS SYNDROME, TYPE VIIB, AUTOSOMAL DOMINANT. Identifiers: MedGen CN293783, MONDO:0040501, OMIM 617821.
Osteogenesis imperfecta with normal sclerae, dominant form (OI4). Also called: Common Variable Osteogenesis Imperfecta with Normal Sclerae; OSTEOGENESIS IMPERFECTA, TYPE IV, WITH DENTINOGENESIS IMPERFECTA; OSTEOGENESIS IMPERFECTA WITH NORMAL SCLERAE; Osteogenesis imperfecta type 4; Osteogenesis Imperfecta Type IV. Identifiers: Orphanet 216820, Orphanet 666, MedGen C0268363, MONDO:0008148, OMIM 166220.
Postmenopausal osteoporosis. Also called: OSTEOPOROSIS, INVOLUTIONAL; BONE MINERAL DENSITY QUANTITATIVE TRAIT LOCUS. Identifiers: MedGen C0029458, MONDO:0008159.
Osteogenesis imperfecta, perinatal lethal (OI2). Also called: Osteogenesis imperfecta type 2; OSTEOGENESIS IMPERFECTA, TYPE II; OI, TYPE II; OSTEOGENESIS IMPERFECTA CONGENITA; Osteogenesis imperfecta, dominant perinatal lethal; VROLIK TYPE OF OSTEOGENESIS IMPERFECTA. Identifiers: Orphanet 216804, MedGen C0268358, MONDO:0008147, OMIM 166210.
Osteogenesis imperfecta type III (OI3). Also called: Progressively Deforming Osteogenesis Imperfecta; Osteogenesis imperfecta type 3; OI type 3; Osteogenesis imperfecta, progressively deforming with normal sclerae; OI type III. Identifiers: Orphanet 216812, Orphanet 666, MedGen C0268362, MONDO:0009804, OMIM 259420.
Osteoporosis. Identifiers: MedGen C0029456, MONDO:0005298, OMIM 166710, HP:0000939.
Combined osteogenesis imperfecta and Ehlers-Danlos syndrome 2. Also called: OIEDS SYNDROME 2. Identifiers: MedGen C5436847, MONDO:0030855, OMIM 619120.
COL1A2-related disorder. Also called: COL1A2-Related Disorders; COL1A2-related condition.
Ehlers-Danlos syndrome (EDS). Identifiers: Orphanet 98249, MedGen C0013720, MONDO:0020066.
Osteogenesis imperfecta (OI). Identifiers: Orphanet 666, MedGen C0029434, MeSH D010013, MONDO:0019019.
Osteogenesis imperfecta type I (OI1). Also called: Classic Non-deforming Osteogenesis Imperfecta with Blue Sclerae; OI, TYPE I; OSTEOGENESIS IMPERFECTA TARDA; OSTEOGENESIS IMPERFECTA WITH BLUE SCLERAE; Osteogenesis imperfecta type 1; Lobstein disease. Identifiers: Orphanet 216796, Orphanet 666, MedGen C0023931, MONDO:0008146, OMIM 166200. Disease mechanism: loss of function.
Ehlers-Danlos syndrome, classic type, 1 (EDSCL1). Also called: EDS I; Ehlers-Danlos Syndrome, Classic Type, COL5A1-Related; Ehlers-Danlos syndrome, type 1; EHLERS-DANLOS SYNDROME, GRAVIS TYPE; EHLERS-DANLOS SYNDROME, SEVERE CLASSIC TYPE. Identifiers: MedGen C0268335, MONDO:0019567, OMIM 130000.
Cardiovascular phenotype. Identifiers: MedGen CN230736.

Allele frequency attached by ClinVar (database versions not stated): 1000 Genomes Project 30x 0.00016; 1000 Genomes Project 0.00020; ExAC 0.00045; gnomAD exomes 0.00047 and 0.00094; TOPMed 0.00054; gnomAD 0.00055 and 0.00057; ESP Exome Variant Server 0.00077.
gnomAD v4.1: 1,438 of 1,614,148 alleles (0.089%); highest among the groups gnomAD compares: Non-Finnish European, 0.11%; 1 homozygote.

Submissions 1 to 13 of 16:

Women's Health and Genetics/Laboratory Corporation of America, LabCorp
Classification: Likely benign. Last evaluated: 2026-04-22. Review status: criteria provided, single submitter. Criteria: LabCorp Variant Classification Summary - May 2015. Collection method: clinical testing. Allele origin: germline.
Comment: Variant summary: COL1A2 c.3853A>C (p.Asn1285His) results in a conservative amino acid change in the encoded protein sequence. Algorithms developed to predict the effect of missense changes on protein structure and function are either unavailable or do not agree on the potential impact of this missense change. The variant allele was found at a frequency of 0.00047 in 251074 control chromosomes. The observed variant frequency exceeds the estimated maximal expected allele frequency for disease-causing variants in COL1A2. c.3853A>C has been observed in individual(s) affected with Osteogenesis Imperfecta (Pollitt_2006). To our knowledge, no experimental evidence demonstrating an impact on protein function has been reported. The following publication has been ascertained in the context of this evaluation (PMID: 16786509). ClinVar contains an entry for this variant (Variation ID: 373178). Based on the evidence outlined above, the variant was classified as likely benign.

PreventionGenetics, part of Exact Sciences
Classification: Uncertain significance for COL1A2-related condition. Last evaluated: 2026-03-27. Review status: criteria provided, single submitter. Criteria: ACMG Guidelines, 2015. Collection method: clinical testing. Allele origin: germline.
Comment: The COL1A2 c.3853A>C variant is predicted to result in the amino acid substitution p.Asn1285His. This variant is alternatively referred to as Asn1195His using legacy nomenclature. At PreventionGenetics, this variant has been noted in two individuals pursuing testing for EDS, but both individuals were also noted to have alternate possible causes for their conditions and the variant has been noted in over 200 individuals who were not reported to have signs of a CTD. This variant is reported in 0.076% of alleles in individuals of Latino descent in gnomAD. However, in gnomAD v4 (available only on GRCh38), this variant is reported in 0.112% of alleles in the European (non-Finnish) subpopulation, including one homozygote. This population data is not consistent with this variant being a primary cause of disease. This variant has conflicting classifications listed in ClinVar ranging from benign to uncertain. This variant is classified as suspected benign.

Labcorp Genetics (formerly Invitae), Labcorp
Classification: Likely benign for Osteogenesis imperfecta type I; Ehlers-Danlos syndrome, classic type, 1. Last evaluated: 2026-02-03. Review status: criteria provided, single submitter. Criteria: Invitae Variant Classification Sherloc (09022015). Collection method: clinical testing. Allele origin: germline.

Mayo Clinic Laboratories, Mayo Clinic
Classification: Likely benign. Last evaluated: 2025-01-20. Review status: criteria provided, single submitter. Criteria: ACMG Guidelines, 2015. Collection method: clinical testing. Allele origin: germline. Observed: 13 variant alleles.
Comment: BS1, BP5

Blueprint Genetics
Classification: Likely benign. Last evaluated: 2024-10-31. Review status: criteria provided, single submitter. Criteria: ACMG Guidelines, 2015. Collection method: clinical testing. Allele origin: germline.

ARUP Laboratories, Molecular Genetics and Genomics, ARUP Laboratories
Classification: Likely benign. Last evaluated: 2024-04-16. Review status: criteria provided, single submitter. Criteria: ARUP Molecular Germline Variant Investigation Process 2024. Collection method: clinical testing. Allele origin: germline.

Fulgent Genetics
Classification: Uncertain significance for Osteogenesis imperfecta, perinatal lethal; Osteogenesis imperfecta with normal sclerae, dominant form; Osteoporosis; Ehlers-Danlos syndrome, cardiac valvular type; Osteogenesis imperfecta type III; Ehlers-Danlos syndrome, arthrochalasia type, 2; Combined osteogenesis imperfecta and Ehlers-Danlos syndrome 2. Last evaluated: 2024-04-15. Review status: criteria provided, single submitter. Criteria: ACMG Guidelines, 2015. Collection method: clinical testing. Allele origin: germline.

Genome Diagnostics Laboratory, The Hospital for Sick Children
Classification: Uncertain significance for Osteogenesis imperfecta. Last evaluated: 2021-03-02. Review status: criteria provided, single submitter. Criteria: ACMG Guidelines, 2015. Collection method: clinical testing. Allele origin: germline.

Genome Diagnostics Laboratory, The Hospital for Sick Children
Classification: Uncertain significance for Ehlers-Danlos syndrome. Last evaluated: 2021-03-02. Review status: criteria provided, single submitter. Criteria: ACMG Guidelines, 2015. Collection method: clinical testing. Allele origin: germline.

Ambry Genetics
Classification: Likely benign for Cardiovascular phenotype. Last evaluated: 2019-11-11. Review status: criteria provided, single submitter. Criteria: Ambry Variant Classification Scheme 2023. Collection method: clinical testing. Allele origin: germline.

CeGaT Center for Human Genetics Tuebingen
Classification: Uncertain significance. Last evaluated: 2018-11-01. Review status: criteria provided, single submitter. Criteria: CeGaT Center For Human Genetics Tuebingen Variant Classification Criteria Version 2. Collection method: clinical testing. Allele origin: germline. Affected: yes. Observed: 2 variant alleles.

Fulgent Genetics
Classification: Uncertain significance for Osteogenesis imperfecta, perinatal lethal; Osteogenesis imperfecta with normal sclerae, dominant form; Osteoporosis; Ehlers-Danlos syndrome, cardiac valvular type; Osteogenesis imperfecta type III; Ehlers-Danlos syndrome, arthrochalasia type, 2. Last evaluated: 2018-10-31. Review status: criteria provided, single submitter. Criteria: ACMG Guidelines, 2015. Collection method: clinical testing. Allele origin: unknown.

Eurofins Ntd Llc (ga)
Classification: Uncertain significance. Last evaluated: 2018-08-14. Review status: criteria provided, single submitter. Criteria: EGL ClinVar v180209 classification definitions. Collection method: clinical testing. Allele origin: germline. Observed: 1 variant allele, 1 heterozygote.

NM_000089.4(COL1A2):c.3853A>C (p.Asn1285His)

Gene: COL1A2 (collagen type I alpha 2 chain; plus strand). Cytogenetic location: 7q21.3.
Variant type: single nucleotide variant.
Coding change: c.3853A>C on transcript NM_000089.4 (MANE Select); coding-DNA position 3853, A replaced by C.
Protein change: p.Asn1285His; replaces asparagine 1285 with histidine.
Molecular consequence: missense variant.
Genome position (GRCh38, 1-based): chr7:94,429,329, A>C. VCF-style: chr7-94429329-A-C. GRCh37 (hg19) VCF-style: chr7-94058641-A-C.
Other names: p.Asn1285His; short protein forms N1285H.
Identifiers: ClinVar variation 373178 (VCV000373178.77), dbSNP rs144797861, ClinGen allele CA4347868.
Genomic context (GRCh38, chr7:94,429,329, plus strand): 5'-TCTCAGAACATCACCTACCACTGCAAGAACAGCATTGCATACATGGATGAGGAGACTGGC[A>C]ACCTGAAAAAGGCTGTCATTCTACAGGGCTCTAATGATGTTGAACTTGTTGCTGAGGGCA-3'
Protein context (NP_000080.2, residues 1275-1295): SIAYMDEETG[Asn1285His]LKKAVILQGS